The following is an entry in ClinVar:

ClinVar aggregate classification (germline): Uncertain significance (1 of 4 stars; one submission).

Submission:

GeneDx
Classification: Uncertain significance. Last evaluated: 2024-02-09. Review status: criteria provided, single submitter. Criteria: GeneDx Variant Classification Process June 2021. Collection method: clinical testing. Allele origin: germline. Affected: yes.
Comment: Not observed at significant frequency in large population cohorts (gnomAD); In silico analysis supports that this missense variant does not alter protein structure/function; Has not been previously published as pathogenic or benign to our knowledge

NM_145166.4(ZBTB47):c.206A>G (p.Gln69Arg)

Gene: ZBTB47 (zinc finger and BTB domain containing 47; plus strand). Cytogenetic location: 3p22.1.
Variant type: single nucleotide variant.
Coding change: c.206A>G on transcript NM_145166.4 (MANE Select); coding-DNA position 206, A replaced by G.
Protein change: p.Gln69Arg; replaces glutamine 69 with arginine.
Molecular consequence: missense variant.
Genome position (GRCh38, 1-based): chr3:42,658,561, A>G. VCF-style: chr3-42658561-A-G. GRCh37 (hg19) VCF-style: chr3-42700053-A-G.
Other names: c.290A>G, p.Gln97Arg (NM_001410746.1); short protein forms Q69R, Q97R.
Identifiers: ClinVar variation 3369150 (VCV003369150.1).